The following is an entry in ClinVar:

NM_005633.4(SOS1):c.1550T>C (p.Ile517Thr)

Gene: SOS1 (SOS Ras/Rac guanine nucleotide exchange factor 1; minus strand). Cytogenetic location: 2p22.1.
Variant type: single nucleotide variant.
Coding change: c.1550T>C on transcript NM_005633.4 (MANE Select); coding-DNA position 1550, T replaced by C.
Protein change: p.Ile517Thr; replaces isoleucine 517 with threonine.
Molecular consequence: missense variant.
Genome position (GRCh38, 1-based): chr2:39,022,878, A>G on the plus strand (T>C on the coding strand, the complement: SOS1 is on the minus strand). VCF-style: chr2-39022878-A-G. GRCh37 (hg19) VCF-style: chr2-39250019-A-G.
Other names: c.1529T>C, p.Ile510Thr (NM_001382394.1); c.1550T>C, p.Ile517Thr (NM_001382395.1); short protein forms I517T, I510T.
Identifiers: ClinVar variation 4747106 (VCV004747106.1).

ClinVar aggregate classification (germline): Uncertain significance (1 of 4 stars; one submission).

Conditions:
RASopathy. Also called: Noonan spectrum disorder; rasopathies. Identifiers: Orphanet 536391, MedGen C5555857, MONDO:0021060.

Submission:

Labcorp Genetics (formerly Invitae), Labcorp
Classification: Uncertain significance for RASopathy. Last evaluated: 2025-03-13. Review status: criteria provided, single submitter. Criteria: Invitae Variant Classification Sherloc (09022015). Collection method: clinical testing. Allele origin: germline.
Comment: This sequence change replaces isoleucine, which is neutral and non-polar, with threonine, which is neutral and polar, at codon 517 of the SOS1 protein (p.Ile517Thr). This variant is not present in population databases (gnomAD no frequency). This variant has not been reported in the literature in individuals affected with SOS1-related conditions. Invitae Evidence Modeling of protein sequence and biophysical properties (such as structural, functional, and spatial information, amino acid conservation, physicochemical variation, residue mobility, and thermodynamic stability) has been performed for this missense variant. However, the output from this modeling did not meet the statistical confidence thresholds required to predict the impact of this variant on SOS1 protein function. In summary, the available evidence is currently insufficient to determine the role of this variant in disease. Therefore, it has been classified as a Variant of Uncertain Significance.